The following is an entry in ClinVar:

ClinVar aggregate classification (germline): Uncertain significance (1 of 4 stars; one submission).

gnomAD v4.1: 2 of 1,613,940 alleles (0.00012%); highest among the groups gnomAD compares: African/African-American, 0.0027%; no homozygotes.

Submission:

Women's Health and Genetics/Laboratory Corporation of America, LabCorp
Classification: Uncertain significance. Last evaluated: 2024-03-13. Review status: criteria provided, single submitter. Criteria: LabCorp Variant Classification Summary - May 2015. Collection method: clinical testing. Allele origin: germline.
Comment: Variant summary: KIAA0196 c.2665C>G (p.Gln889Glu) results in a conservative amino acid change in the encoded protein sequence. Three of five in-silico tools predict a benign effect of the variant on protein function. The variant allele was found at a frequency of 4e-06 in 251080 control chromosomes. The available data on variant occurrences in the general population are insufficient to allow any conclusion about variant significance. To our knowledge, no occurrence of c.2665C>G in individuals affected with Ritscher-Schinzel Syndrome 1 and no experimental evidence demonstrating its impact on protein function have been reported. No submitters have cited clinical-significance assessments for this variant to ClinVar. Based on the evidence outlined above, the variant was classified as uncertain significance.

NM_014846.4(WASHC5):c.2665C>G (p.Gln889Glu)

Genes: WASHC5 (WASH complex subunit 5; minus strand), WASHC5-AS1 (WASHC5 antisense RNA 1; plus strand). Cytogenetic location: 8q24.13.
Variant type: single nucleotide variant.
Coding change: c.2665C>G on transcript NM_014846.4 (MANE Select); coding-DNA position 2665, C replaced by G.
Protein change: p.Gln889Glu; replaces glutamine 889 with glutamic acid.
Molecular consequence: missense variant. On other transcripts: non-coding transcript variant (1).
Genome position (GRCh38, 1-based): chr8:125,044,538, G>C on the plus strand (C>G on the coding strand, the complement: WASHC5 is on the minus strand). VCF-style: chr8-125044538-G-C. GRCh37 (hg19) VCF-style: chr8-126056780-G-C.
Other names: c.2221C>G, p.Gln741Glu (NM_001330609.2); short protein forms Q741E, Q889E.
Identifiers: ClinVar variation 3233460 (VCV003233460.2), dbSNP rs1275809932, ClinGen allele CA372188134.